The following is an entry in ClinVar:

NM_017802.4(DNAAF5):c.2251C>T (p.Arg751Cys)

Gene: DNAAF5 (dynein axonemal assembly factor 5; plus strand). Cytogenetic location: 7p22.3.
Variant type: single nucleotide variant.
Coding change: c.2251C>T on transcript NM_017802.4 (MANE Select); coding-DNA position 2251, C replaced by T.
Protein change: p.Arg751Cys; replaces arginine 751 with cysteine.
Molecular consequence: missense variant. On other transcripts: non-coding transcript variant (1).
Genome position (GRCh38, 1-based): chr7:779,964, C>T. VCF-style: chr7-779964-C-T. GRCh37 (hg19) VCF-style: chr7-819601-C-T.
Other names: c.2251C>T (NM_017802.3); short protein forms R751C.
Identifiers: ClinVar variation 1040343 (VCV001040343.9), dbSNP rs779271163, ClinGen allele CA4111151.

ClinVar aggregate classification (germline): Uncertain significance. Review status: criteria provided, multiple submitters, no conflicts (2 of 4 stars). 3 submissions from 3 submitters: Uncertain significance (2). 1 of the submissions does not count toward it. Last evaluated 2024-01-22.

Conditions:
Primary ciliary dyskinesia 18. Also called: CILIARY DYSKINESIA, PRIMARY, 18, WITH OR WITHOUT SITUS INVERSUS. Identifiers: Orphanet 244, MedGen C3543825, MONDO:0013940, OMIM 614874.
Primary ciliary dyskinesia. Also called: Ciliary dyskinesia. Identifiers: Orphanet 244, MedGen C0008780, MONDO:0016575, HP:0012265.

Allele frequency attached by ClinVar (database versions not stated): ExAC 0.00003; gnomAD 0.00006; TOPMed 0.00006; gnomAD exomes 0.00010.
gnomAD v4.1: 86 of 1,613,904 alleles (0.0053%); highest among the groups gnomAD compares: Admixed American, 0.032%; no homozygotes.

Submissions (3):

Labcorp Genetics (formerly Invitae), Labcorp
Classification: Uncertain significance for Primary ciliary dyskinesia. Last evaluated: 2024-01-22. Review status: criteria provided, single submitter. Criteria: Invitae Variant Classification Sherloc (09022015). Collection method: clinical testing. Allele origin: germline.
Comment: This sequence change replaces arginine, which is basic and polar, with cysteine, which is neutral and slightly polar, at codon 751 of the DNAAF5 protein (p.Arg751Cys). The frequency data for this variant in the population databases is considered unreliable, as metrics indicate poor data quality at this position in the gnomAD database. This variant has not been reported in the literature in individuals affected with DNAAF5-related conditions. ClinVar contains an entry for this variant (Variation ID: 1040343). Advanced modeling of protein sequence and biophysical properties (such as structural, functional, and spatial information, amino acid conservation, physicochemical variation, residue mobility, and thermodynamic stability) performed at Invitae indicates that this missense variant is expected to disrupt DNAAF5 protein function with a positive predictive value of 80%. In summary, the available evidence is currently insufficient to determine the role of this variant in disease. Therefore, it has been classified as a Variant of Uncertain Significance.

Ambry Genetics
Classification: Uncertain significance for Primary ciliary dyskinesia. Last evaluated: 2023-04-22. Review status: criteria provided, single submitter. Criteria: Ambry Variant Classification Scheme 2023. Collection method: clinical testing. Allele origin: germline.
Comment: The p.R751C variant (also known as c.2251C>T), located in coding exon 12 of the DNAAF5 gene, results from a C to T substitution at nucleotide position 2251. The arginine at codon 751 is replaced by cysteine, an amino acid with highly dissimilar properties. This amino acid position is conserved. In addition, the in silico prediction for this alteration is inconclusive. Since supporting evidence is limited at this time, the clinical significance of this alteration remains unclear.

Clinical Genetics Laboratory, University Hospital Schleswig-Holstein
Classification: Uncertain significance for Primary ciliary dyskinesia 18. Last evaluated: 2023-05-30. Review status: no assertion criteria provided. Collection method: clinical testing. Allele origin: biparental. Affected: yes. Not counted in ClinVar's aggregate classification.